The following is an entry in ClinVar:

ClinVar aggregate classification (germline): Uncertain significance (1 of 4 stars; one submission).

Conditions:
Cardiomyopathy (CMYO). Also called: Cardiomyopathies. Identifiers: Orphanet 167848, MedGen C0878544, MONDO:0004994, HP:0001638. Inheritance: Various modes of inheritance.

gnomAD v4.1: 2 of 1,614,214 alleles (0.00012%); highest among the groups gnomAD compares: East Asian, 0.0022%; no homozygotes.

Submission:

Color Diagnostics, LLC DBA Color Health
Classification: Uncertain significance for Cardiomyopathy. Last evaluated: 2025-06-17. Review status: criteria provided, single submitter. Criteria: ACMG Guidelines, 2015. Collection method: clinical testing. Allele origin: germline.
Comment: This missense variant replaces aspartic acid with asparagine at codon 1652 of the MYH7 protein. Computational prediction suggests that this variant may have a deleterious impact on protein structure and function. To our knowledge, functional studies have not been reported for this variant. This variant has not been reported in individuals affected with MYH7-related disorders in the literature. This variant has been identified in 1/251342 chromosomes in the general population by the Genome Aggregation Database (gnomAD). The available evidence is insufficient to determine the role of this variant in disease conclusively. Therefore, this variant is classified as a Variant of Uncertain Significance.

NM_000257.4(MYH7):c.4954G>A (p.Asp1652Asn)

Genes: MHRT (myosin heavy chain associated RNA transcript; plus strand), MYH7 (myosin heavy chain 7; minus strand), LOC126861897 (BRD4-independent group 4 enhancer GRCh37_chr14:23884455-23885654; plus strand). Cytogenetic location: 14q11.2.
Variant type: single nucleotide variant.
Coding change: c.4954G>A on transcript NM_000257.4 (MANE Select); coding-DNA position 4954, G replaced by A.
Protein change: p.Asp1652Asn; replaces aspartic acid 1652 with asparagine.
Molecular consequence: missense variant.
Genome position (GRCh38, 1-based): chr14:23,415,832, C>T on the plus strand (G>A on the coding strand, the complement: MYH7 is on the minus strand). VCF-style: chr14-23415832-C-T. GRCh37 (hg19) VCF-style: chr14-23885041-C-T.
Other names: c.4954G>A, p.Asp1652Asn (NM_001407004.1); short protein forms D1652N.
Identifiers: ClinVar variation 4758855 (VCV004758855.1).
Genomic context (GRCh38, chr14:23,415,832, plus strand): 5'-CGATGTTCTCCTTCAGGTCGTCGTTGGCACGGACTGCATCGTCCAGCTGAATCTGGGTGT[C>T]CTGAGGATCAGGAGAGTGGGCATGAGCAGGGAGCCAGCCTCGGTTCCCTTCACTAAAGGC-3'
Protein context (NP_000248.2, residues 1642-1662): QVKSLQSLLK[Asp1652Asn]TQIQLDDAVR